The following is an entry in ClinVar:

NM_000535.7(PMS2):c.1251T>G (p.Ile417Met)

Gene: PMS2 (PMS1 homolog 2, mismatch repair system component; minus strand). Cytogenetic location: 7p22.1.
Variant type: single nucleotide variant.
Coding change: c.1251T>G on transcript NM_000535.7 (MANE Select); coding-DNA position 1251, T replaced by G.
Protein change: p.Ile417Met; replaces isoleucine 417 with methionine.
Molecular consequence: missense variant. On other transcripts: non-coding transcript variant (1).
Genome position (GRCh38, 1-based): chr7:5,987,514, A>C on the plus strand (T>G on the coding strand, the complement: PMS2 is on the minus strand). VCF-style: chr7-5987514-A-C. GRCh37 (hg19) VCF-style: chr7-6027145-A-C.
Other names: c.846T>G, p.Ile282Met (NM_001322003.2, NM_001322004.2, NM_001322005.2 and 1 more transcripts); c.1095T>G, p.Ile365Met (NM_001322006.2); c.933T>G, p.Ile311Met (NM_001322007.2, NM_001322008.2); c.690T>G, p.Ile230Met (NM_001322010.2); c.318T>G, p.Ile106Met (NM_001322011.2, NM_001322012.2); c.678T>G, p.Ile226Met (NM_001322013.2); c.1251T>G, p.Ile417Met (NM_001322014.2); c.942T>G, p.Ile314Met (NM_001322015.2); short protein forms I226M, I365M, I106M, I282M, I230M, I311M, I314M, I417M.
Identifiers: ClinVar variation 818699 (VCV000818699.11), dbSNP rs1057521136, ClinGen allele CA366742477.

ClinVar aggregate classification (germline): Uncertain significance. Review status: criteria provided, multiple submitters, no conflicts (2 of 4 stars). 3 submissions from 3 submitters: Uncertain significance (3). Last evaluated 2022-05-26.

Conditions:
Hereditary nonpolyposis colorectal neoplasms. Identifiers: MedGen C0009405, MeSH D003123.
Hereditary cancer-predisposing syndrome. Also called: Tumor predisposition; Hereditary neoplastic syndrome; Neoplastic Syndromes, Hereditary; Hereditary Cancer Syndrome. Identifiers: Orphanet 140162, MedGen C0027672, MeSH D009386, MONDO:0015356.

Submissions (3):

GeneDx
Classification: Uncertain significance. Last evaluated: 2022-05-26. Review status: criteria provided, single submitter. Criteria: GeneDx Variant Classification Process June 2021. Collection method: clinical testing. Allele origin: germline. Affected: yes.
Comment: Not observed at significant frequency in large population cohorts (gnomAD); In silico analysis supports that this missense variant does not alter protein structure/function; Has not been previously published as pathogenic or benign to our knowledge

Labcorp Genetics (formerly Invitae), Labcorp
Classification: Uncertain significance for Hereditary nonpolyposis colorectal neoplasms. Last evaluated: 2021-09-16. Review status: criteria provided, single submitter. Criteria: Invitae Variant Classification Sherloc (09022015). Collection method: clinical testing. Allele origin: germline.
Comment: In summary, the available evidence is currently insufficient to determine the role of this variant in disease. Therefore, it has been classified as a Variant of Uncertain Significance. Algorithms developed to predict the effect of missense changes on protein structure and function are either unavailable or do not agree on the potential impact of this missense change (SIFT: "Tolerated"; PolyPhen-2: "Possibly Damaging"; Align-GVGD: "Class C0"). This variant has not been reported in the literature in individuals affected with PMS2-related conditions. This variant is not present in population databases (ExAC no frequency). This sequence change replaces isoleucine with methionine at codon 417 of the PMS2 protein (p.Ile417Met). The isoleucine residue is weakly conserved and there is a small physicochemical difference between isoleucine and methionine.

Ambry Genetics
Classification: Uncertain significance for Hereditary cancer-predisposing syndrome. Last evaluated: 2019-01-31. Review status: criteria provided, single submitter. Criteria: Ambry Variant Classification Scheme 2023. Collection method: clinical testing. Allele origin: germline.
Comment: The p.I417M variant (also known as c.1251T>G), located in coding exon 11 of the PMS2 gene, results from a T to G substitution at nucleotide position 1251. The isoleucine at codon 417 is replaced by methionine, an amino acid with highly similar properties. This amino acid position is not well conserved in available vertebrate species. In addition, this alteration is predicted to be tolerated by in silico analysis. Since supporting evidence is limited at this time, the clinical significance of this alteration remains unclear.